The following is an entry in ClinVar:

NM_002427.4(MMP13):c.818C>G (p.Pro273Arg)

Gene: MMP13 (matrix metallopeptidase 13; minus strand). Cytogenetic location: 11q22.2.
Variant type: single nucleotide variant.
Coding change: c.818C>G on transcript NM_002427.4 (MANE Select); coding-DNA position 818, C replaced by G.
Protein change: p.Pro273Arg; replaces proline 273 with arginine.
Molecular consequence: missense variant.
Genome position (GRCh38, 1-based): chr11:102,950,209, G>C on the plus strand (C>G on the coding strand, the complement: MMP13 is on the minus strand). VCF-style: chr11-102950209-G-C. GRCh37 (hg19) VCF-style: chr11-102820938-G-C.
Other names: short protein forms P273R.
Identifiers: ClinVar variation 879318 (VCV000879318.7), dbSNP rs781841656, ClinGen allele CA6251872.
Genomic context (GRCh38, chr11:102,950,209, plus strand): 5'-ATGGCATCAAGGGATAAGGAAGGGTCACATTTGTCTGGCGTTTTTGGATGTTTAGGGTTG[G>C]GGTCTTCATCTCCTGGACCTGTAGTCGTGAAAGGCAAGAGAGAAGTTATGAGTGTGACAT-3'
Protein context (NP_002418.1, residues 263-283): QSLYGPGDED[Pro273Arg]NPKHPKTPDK

ClinVar aggregate classification (germline): Uncertain significance. Review status: criteria provided, multiple submitters, no conflicts (2 of 4 stars). 3 submissions from 2 submitters: Uncertain significance (3). Last evaluated 2025-06-30.

Conditions:
Spondyloepimetaphyseal dysplasia, Missouri type. Identifiers: Orphanet 1040, Orphanet 93356, MedGen C1865832, MONDO:0011198, OMIM 602111.
Metaphyseal anadysplasia. Also called: Early-onset regressive form of metaphyseal dysplasia. Identifiers: Orphanet 1040, MedGen C0432226, MONDO:0015177.

Allele frequency attached by ClinVar (database versions not stated): ExAC 0.00001; gnomAD exomes 0.00006 and 0.00002; gnomAD 0.00002; TOPMed 0.00002.
gnomAD v4.1: 85 of 1,613,476 alleles (0.0053%); highest among the groups gnomAD compares: Non-Finnish European, 0.0068%; no homozygotes.

Submissions (3):

Labcorp Genetics (formerly Invitae), Labcorp
Classification: Uncertain significance. Last evaluated: 2025-06-30. Review status: criteria provided, single submitter. Criteria: Invitae Variant Classification Sherloc (09022015). Collection method: clinical testing. Allele origin: germline.
Comment: This sequence change replaces proline, which is neutral and non-polar, with arginine, which is basic and polar, at codon 273 of the MMP13 protein (p.Pro273Arg). This variant is present in population databases (rs781841656, gnomAD 0.004%). This variant has not been reported in the literature in individuals affected with MMP13-related conditions. ClinVar contains an entry for this variant (Variation ID: 879318). Invitae Evidence Modeling of protein sequence and biophysical properties (such as structural, functional, and spatial information, amino acid conservation, physicochemical variation, residue mobility, and thermodynamic stability) indicates that this missense variant is not expected to disrupt MMP13 protein function with a negative predictive value of 80%. In summary, the available evidence is currently insufficient to determine the role of this variant in disease. Therefore, it has been classified as a Variant of Uncertain Significance.

Illumina Laboratory Services, Illumina
Classification: Uncertain significance for Metaphyseal anadysplasia. Last evaluated: 2018-01-12. Review status: criteria provided, single submitter. Criteria: ICSL Variant Classification Criteria 13 December 2019. Collection method: clinical testing. Allele origin: germline.

Illumina Laboratory Services, Illumina
Classification: Uncertain significance for Spondyloepimetaphyseal dysplasia, Missouri type. Last evaluated: 2018-01-12. Review status: criteria provided, single submitter. Criteria: ICSL Variant Classification Criteria 13 December 2019. Collection method: clinical testing. Allele origin: germline.